The following is an entry in ClinVar:

NM_004366.6(CLCN2):c.1424_1427dup (p.Ser476fs)

Gene: CLCN2 (chloride voltage-gated channel 2; minus strand). Cytogenetic location: 3q27.1.
Variant type: Duplication.
Coding change: c.1424_1427dup on transcript NM_004366.6 (MANE Select); coding-DNA positions 1424 to 1427, 4 bases duplicated (AAAG; older notation c.1424_1427dupAAAG).
Protein change: p.Ser476fs; shifts the reading frame from serine 476.
Molecular consequence: frameshift variant. On other transcripts: intron variant (1).
Genome position (GRCh38, 1-based): chr3:184,354,628-184,354,631, CTTT duplicated on the plus strand (AAAG on the coding strand, the reverse complement: CLCN2 is on the minus strand); duplicating any 4 consecutive bases within chr3:184,354,628-184,354,632 gives the same sequence; the c. name uses the placement nearest the transcript's 3' end. VCF-style (leftmost placement, unchanged base first): chr3-184354627-G-GCTTT. GRCh37 (hg19) VCF-style: chr3-184072415-G-GCTTT.
Other names: c.1292_1295dup, p.Ser432fs (NM_001171088.3); c.1424_1427dup, p.Ser476fs (NM_001171089.3); c.1397-24_1397-21dup (NM_001171087.3); short protein forms S432fs, S476fs.
Identifiers: ClinVar variation 2834626 (VCV002834626.3), dbSNP rs2474245240, ClinGen allele CA2739277978.

ClinVar aggregate classification (germline): Pathogenic (1 of 4 stars; one submission).

Submission:

Labcorp Genetics (formerly Invitae), Labcorp
Classification: Pathogenic. Last evaluated: 2023-02-04. Review status: criteria provided, single submitter. Criteria: Invitae Variant Classification Sherloc (09022015). Collection method: clinical testing. Allele origin: germline.
Comment: This variant is not present in population databases (gnomAD no frequency). For these reasons, this variant has been classified as Pathogenic. This variant has not been reported in the literature in individuals affected with CLCN2-related conditions. This sequence change creates a premature translational stop signal (p.Ser476Argfs*80) in the CLCN2 gene. It is expected to result in an absent or disrupted protein product. Loss-of-function variants in CLCN2 are known to be pathogenic (PMID: 23707145).

Literature cited by the submitters: PubMed 23707145.